The following is an entry in ClinVar:

ClinVar aggregate classification (germline): Conflicting classifications of pathogenicity. Review status: criteria provided, conflicting classifications (1 of 4 stars). 8 submissions from 8 submitters: Uncertain significance (2); Likely benign (5). 1 of the submissions does not count toward it. Last evaluated 2026-09-01.

Conditions:
CYP7B1-related disorder. Also called: CYP7B1-related condition.
Spastic paraplegia. Identifiers: MedGen C0037772, HP:0001258.
Hereditary spastic paraplegia 5A (SPG5A). Also called: SPASTIC PARAPLEGIA 5A, AUTOSOMAL RECESSIVE. Identifiers: Orphanet 100986, MedGen C1849115, MONDO:0010047, OMIM 270800.

Allele frequency attached by ClinVar (database versions not stated): gnomAD exomes 0.00007 and 0.00013; TOPMed 0.00011; 1000 Genomes Project 0.00020; gnomAD 0.00020 and 0.00021; 1000 Genomes Project 30x 0.00031.
gnomAD v4.1: 210 of 1,512,028 alleles (0.014%); highest among the groups gnomAD compares: Middle Eastern, 0.068%; no homozygotes.

Submissions (8):

CeGaT Center for Human Genetics Tuebingen
Classification: Likely benign. Last evaluated: 2026-09-01. Review status: criteria provided, single submitter. Criteria: CeGaT Center For Human Genetics Tuebingen Variant Classification Criteria Version 2. Collection method: clinical testing. Allele origin: germline. Affected: yes. Observed: 3 variant alleles.
Comment: CYP7B1: BP4, BP7

Labcorp Genetics (formerly Invitae), Labcorp
Classification: Likely benign for Spastic paraplegia. Last evaluated: 2026-01-24. Review status: criteria provided, single submitter. Criteria: Invitae Variant Classification Sherloc (09022015). Collection method: clinical testing. Allele origin: germline.

Mayo Clinic Laboratories, Mayo Clinic
Classification: Likely benign. Last evaluated: 2024-12-19. Review status: criteria provided, single submitter. Criteria: ACMG Guidelines, 2015. Collection method: clinical testing. Allele origin: germline. Observed: 1 variant allele.
Comment: BP4, BP7

Blueprint Genetics
Classification: Likely benign. Last evaluated: 2024-04-08. Review status: criteria provided, single submitter. Criteria: ACMG Guidelines, 2015. Collection method: clinical testing. Allele origin: germline.

Athena Diagnostics
Classification: Likely benign. Last evaluated: 2021-01-19. Review status: criteria provided, single submitter. Criteria: Athena Diagnostics criteria. Collection method: clinical testing. Allele origin: unknown.

Eurofins Ntd Llc (ga)
Classification: Uncertain significance. Last evaluated: 2018-07-02. Review status: criteria provided, single submitter. Criteria: EGL ClinVar v180209 classification definitions. Collection method: clinical testing. Allele origin: germline. Observed: 3 variant alleles, 3 heterozygotes.

Illumina Laboratory Services, Illumina
Classification: Uncertain significance for Hereditary spastic paraplegia 5A. Last evaluated: 2018-01-12. Review status: criteria provided, single submitter. Criteria: ICSL Variant Classification Criteria 13 December 2019. Collection method: clinical testing. Allele origin: germline.

PreventionGenetics, part of Exact Sciences
Classification: Likely benign for CYP7B1-related condition. Last evaluated: 2019-07-08. Review status: no assertion criteria provided. Collection method: clinical testing. Allele origin: germline. Not counted in ClinVar's aggregate classification.
Comment: This variant is classified as likely benign based on ACMG/AMP sequence variant interpretation guidelines (Richards et al. 2015 PMID: 25741868, with internal and published modifications).

NM_004820.5(CYP7B1):c.90C>T (p.Leu30=)

Gene: CYP7B1 (cytochrome P450 family 7 subfamily B member 1; minus strand). Cytogenetic location: 8q12.3.
Variant type: single nucleotide variant.
Coding change: c.90C>T on transcript NM_004820.5 (MANE Select); coding-DNA position 90, C replaced by T.
Protein change: p.Leu30=; no amino-acid change (leucine 30 retained).
Molecular consequence: synonymous variant.
Genome position (GRCh38, 1-based): chr8:64,798,498, G>A on the plus strand (C>T on the coding strand, the complement: CYP7B1 is on the minus strand). VCF-style: chr8-64798498-G-A. GRCh37 (hg19) VCF-style: chr8-65711055-G-A.
Other names: p.Leu30=; c.90C>T, p.Leu30= (NM_001324112.2); c.90C>T (NM_004820.4).
Identifiers: ClinVar variation 502522 (VCV000502522.33), dbSNP rs571177831, ClinGen allele CA179061869.
Genomic context (GRCh38, chr8:64,798,498, plus strand): 5'-TGCGTGGCCTGGCGGCCGAGGCGCTTACCTGGTGCGCCGGACAAGCAAGCAGAGGGCCAG[G>A]AGCAGCAGGGCCGCGGCGAGGGCCAGGCCCGGGAGGCCCAACCGCTCCAGCGAAAAGCGG-3'
Protein context (NP_004811.1, residues 20-40): PGLALAAALL[Leu30=]LALCLLVRRT